The following is an entry in ClinVar:

NM_000061.3(BTK):c.391+143dup

Gene: BTK (Bruton tyrosine kinase; minus strand). Cytogenetic location: Xq22.1.
Variant type: Duplication.
Coding change: c.391+143dup on transcript NM_000061.3 (MANE Select); 143 bases into the intron after coding-DNA position 391, one base duplicated (A; older notation c.391+143dupA).
Molecular consequence: intron variant.
Genome position (GRCh38, 1-based): chrX:101,369,855, T duplicated on the plus strand (A on the coding strand, the reverse complement: BTK is on the minus strand); the first of 7 consecutive T bases (chrX:101,369,855-101,369,861); duplicating any one gives the same sequence. VCF-style (leftmost placement, unchanged base first): chrX-101369854-A-AT. GRCh37 (hg19) VCF-style: chrX-100624842-A-AT.
Other names: c.493+143dup (NM_001287344.2); c.391+143dup (NM_001287345.2); c.391+143dupA (NM_000061.2).
Identifiers: ClinVar variation 35760 (VCV000035760.4), dbSNP rs193922127, ClinGen allele CA260193.
Genomic context (GRCh38, chrX:101,369,854, plus strand): 5'-TTCCTTCCTTCCTGTCTCCCTCCTCCCCTCCCTCTCTCTTTCTTTTCTCCCCTTCTATCC[A>AT]TTTTTTTCTTCTTTTCTCTCTACGTTTCTCCTTTCTCTTTCTTTCTCGTTTCTCTCTTCC-3'

ClinVar aggregate classification (germline): Benign. Review status: criteria provided, multiple submitters, no conflicts (2 of 4 stars). 2 submissions from 2 submitters: Benign (2). Last evaluated 2021-12-10.

Submissions (2):

Women's Health and Genetics/Laboratory Corporation of America, LabCorp
Classification: Benign. Last evaluated: 2021-12-10. Review status: criteria provided, single submitter. Criteria: LabCorp Variant Classification Summary - May 2015. Collection method: clinical testing. Allele origin: germline.
Comment: Variant summary: BTK c.391+143dupA is located at a position not widely known to affect splicing. 4/4 computational tools predict no significant impact on normal splicing. However, these predictions have yet to be confirmed by functional studies. The variant allele was found at a frequency of 0.11 in 18190 control chromosomes in the gnomAD database, including 70 homozygotes. The observed variant frequency is approximately 46 fold of the estimated maximal expected allele frequency for a pathogenic variant in BTK causing X-Linked Agammaglobulinemia phenotype (0.0023), strongly suggesting that the variant is benign. To our knowledge, no occurrence of c.391+143dupA in individuals affected with X-Linked Agammaglobulinemia and no experimental evidence demonstrating its impact on protein function have been reported. One ClinVar submitter (evaluation after 2014) cites the variant as benign. Based on the evidence outlined above, the variant was classified as benign.

GeneDx
Classification: Benign. Last evaluated: 2019-10-05. Review status: criteria provided, single submitter. Criteria: GeneDx Variant Classification Process June 2021. Collection method: clinical testing. Allele origin: germline. Affected: yes.